The following is an entry in ClinVar:

ClinVar aggregate classification (germline): Likely pathogenic. Review status: criteria provided, multiple submitters, no conflicts (2 of 4 stars). 3 submissions from 3 submitters: Likely pathogenic (3). Last evaluated 2024-12-08.

Conditions:
Breast-ovarian cancer, familial, susceptibility to, 3. Also called: RAD51C-Related Breast/Ovarian Cancer. Identifiers: Orphanet 145, MedGen C3150659, MONDO:0013253, OMIM 613399.
Fanconi anemia complementation group O. Also called: RAD51C-Related Fanconi Anemia. Identifiers: Orphanet 84, MedGen C3150653, MONDO:0013248, OMIM 613390.

Submissions (3):

Labcorp Genetics (formerly Invitae), Labcorp
Classification: Likely pathogenic for Fanconi anemia complementation group O. Last evaluated: 2024-12-08. Review status: criteria provided, single submitter. Criteria: Invitae Variant Classification Sherloc (09022015). Collection method: clinical testing. Allele origin: germline.
Comment: This sequence change affects an acceptor splice site in intron 5 of the RAD51C gene. It is expected to disrupt RNA splicing. Variants that disrupt the donor or acceptor splice site typically lead to a loss of protein function (PMID: 16199547), and loss-of-function variants in RAD51C are known to be pathogenic (PMID: 20400964, 21990120, 24800917, 29278735). This variant is not present in population databases (gnomAD no frequency). This variant has not been reported in the literature in individuals affected with RAD51C-related conditions. ClinVar contains an entry for this variant (Variation ID: 2678175). Algorithms developed to predict the effect of sequence changes on RNA splicing suggest that this variant may disrupt the consensus splice site. In summary, the currently available evidence indicates that the variant is pathogenic, but additional data are needed to prove that conclusively. Therefore, this variant has been classified as Likely Pathogenic.

Myriad Genetics, Inc.
Classification: Likely pathogenic for Breast-ovarian cancer, familial, susceptibility to, 3. Last evaluated: 2024-01-03. Review status: criteria provided, single submitter. Criteria: Myriad Autosomal Dominant, Autosomal Recessive and X-Linked Classification Criteria (2023). Collection method: clinical testing. Allele origin: unknown.
Comment: This variant is considered likely pathogenic. This variant occurs within a consensus splice junction and is predicted to result in abnormal mRNA splicing of either an out-of-frame exon or an in-frame exon necessary for protein stability and/or normal function.

Baylor Genetics
Classification: Likely pathogenic for Breast-ovarian cancer, familial, susceptibility to, 3. Last evaluated: 2021-09-17. Review status: criteria provided, single submitter. Criteria: ACMG Guidelines, 2015. Collection method: clinical testing. Allele origin: unknown.

Literature cited by the submitters: PubMed 16199547 (cited by Labcorp Genetics (formerly Invitae), Labcorp); PubMed 20400964 (cited by Labcorp Genetics (formerly Invitae), Labcorp); PubMed 21990120 (cited by Labcorp Genetics (formerly Invitae), Labcorp); PubMed 24800917 (cited by Labcorp Genetics (formerly Invitae), Labcorp); PubMed 29278735 (cited by Labcorp Genetics (formerly Invitae), Labcorp).

NM_058216.3(RAD51C):c.838-1G>C

Gene: RAD51C (RAD51 paralog C; plus strand). Cytogenetic location: 17q22.
Variant type: single nucleotide variant.
Coding change: c.838-1G>C on transcript NM_058216.3 (MANE Select); the canonical splice acceptor site of the intron before coding-DNA position 838, G replaced by C.
Molecular consequence: splice acceptor variant.
Genome position (GRCh38, 1-based): chr17:58,720,745, G>C. VCF-style: chr17-58720745-G-C. GRCh37 (hg19) VCF-style: chr17-56798106-G-C.
Identifiers: ClinVar variation 2678175 (VCV002678175.4), dbSNP rs2143929613, ClinGen allele CA400359312.
Genomic context (GRCh38, chr17:58,720,745, plus strand): 5'-CTGGTCTACTTGATAATTTTCAAAGAGACTCACCTAATTTTCTTACATTTTGTTTTTGTA[G>C]GTAATTTTAACCAATCAGATGACAACAAAGATTGATAGAAATCAGGCCTTGCTTGTTCCT-3'